The following is an entry in ClinVar:

NM_000368.5(TSC1):c.2140C>T (p.Leu714Phe)

Gene: TSC1 (TSC complex subunit 1; minus strand). Cytogenetic location: 9q34.13.
Variant type: single nucleotide variant.
Coding change: c.2140C>T on transcript NM_000368.5 (MANE Select); coding-DNA position 2140, C replaced by T.
Protein change: p.Leu714Phe; replaces leucine 714 with phenylalanine.
Molecular consequence: missense variant. On other transcripts: non-coding transcript variant (4).
Genome position (GRCh38, 1-based): chr9:132,903,719, G>A on the plus strand (C>T on the coding strand, the complement: TSC1 is on the minus strand). VCF-style: chr9-132903719-G-A. GRCh37 (hg19) VCF-style: chr9-135779106-G-A.
Other names: c.2140C>T, p.Leu714Phe (NM_001406595.1, NM_001406596.1, NM_001406592.1 and 5 more transcripts); c.2137C>T, p.Leu713Phe (NM_001406597.1, NM_001406598.1, NM_001406599.1 and 4 more transcripts); c.2125C>T, p.Leu709Phe (NM_001406601.1, NM_001406602.1); c.2122C>T, p.Leu708Phe (NM_001406603.1, NM_001406604.1); c.1777C>T, p.Leu593Phe (NM_001406614.1, NM_001406615.1, NM_001406616.1 and 5 more transcripts); c.1774C>T, p.Leu592Phe (NM_001406620.1, NM_001406621.1, NM_001406622.1 and 2 more transcripts); c.1987C>T, p.Leu663Phe (NM_001162427.2, NM_001406610.1); c.1984C>T, p.Leu662Phe (NM_001406611.1, NM_001406612.1, NM_001406613.1); and 3 more; short protein forms L363F, L662F, L709F, L714F, L397F, L713F, L592F, L593F.
Identifiers: ClinVar variation 5031261 (VCV005031261.1).
Genomic context (GRCh38, chr9:132,903,719, plus strand): 5'-CATTATGTTCCTCCAGAGCTGCTGCTTTGATCACCTTGCGGAGGAGCCGCCTGTTCCGGA[G>A]GGCATGCTGCTGCCTCTTAAAACGCTCATAGAGTAACTGGTTGTGCAGTAAAAGCAACTG-3'
Protein context (NP_000359.1, residues 704-724): YERFKRQQHA[Leu714Phe]RNRRLLRKVI

ClinVar aggregate classification (germline): Uncertain significance (1 of 4 stars; one submission).

Conditions:
Hereditary cancer-predisposing syndrome. Also called: Neoplastic Syndromes, Hereditary; Tumor predisposition; Hereditary neoplastic syndrome; Hereditary Cancer Syndrome. Identifiers: Orphanet 140162, MedGen C0027672, MeSH D009386, MONDO:0015356.

Submission:

Ambry Genetics
Classification: Uncertain significance for Hereditary cancer-predisposing syndrome. Last evaluated: 2026-08-23. Review status: criteria provided, single submitter. Criteria: Ambry Variant Classification Scheme 2023. Collection method: clinical testing. Allele origin: germline.
Comment: The p.L714F variant (also known as c.2140C>T), located in coding exon 15 of the TSC1 gene, results from a C to T substitution at nucleotide position 2140. The leucine at codon 714 is replaced by phenylalanine, an amino acid with highly similar properties. This amino acid position is conserved. In addition, this alteration is predicted to be tolerated by in silico analysis. Based on the available evidence, the clinical significance of this variant remains unclear.